The following is an entry in ClinVar:

ClinVar aggregate classification (germline): Conflicting classifications of pathogenicity. Review status: criteria provided, conflicting classifications (1 of 4 stars). 9 submissions from 9 submitters: Pathogenic (2); Likely pathogenic (6); Uncertain significance (1). Last evaluated 2026-06-10.

Conditions:
Usher syndrome type 2C. Also called: Usher syndrome, type 2B; USHER SYNDROME, TYPE IIC. Identifiers: Orphanet 231178, Orphanet 886, MedGen C2931213, MONDO:0011558, OMIM 605472.
Hearing loss, autosomal recessive 57. Also called: DEAFNESS, AUTOSOMAL RECESSIVE 57. Identifiers: MedGen C4693893, MONDO:0033201, OMIM 618003.
Usher syndrome type 2A. Also called: RETINAL DISEASE IN USHER SYNDROME TYPE IIA, MODIFIER OF; USHER SYNDROME, TYPE IIA. Identifiers: Orphanet 231178, Orphanet 886, MedGen C1848634, MONDO:0010169, OMIM 276901.
PDZD7-related disorder. Also called: PDZD7-related condition; PDZD7-related disorders.

Allele frequency attached by ClinVar (database versions not stated): gnomAD 0.00001; TOPMed 0.00001; 1000 Genomes Project 30x 0.00016; 1000 Genomes Project 0.00020.
gnomAD v4.1: 100 of 1,614,070 alleles (0.0062%); highest among the groups gnomAD compares: East Asian, 0.2%; 1 homozygote.

Submissions (9):

PreventionGenetics, part of Exact Sciences
Classification: Likely pathogenic for PDZD7-related condition. Last evaluated: 2026-06-10. Review status: criteria provided, single submitter. Criteria: ACMG Guidelines, 2015. Collection method: clinical testing. Allele origin: germline.
Comment: The PDZD7 c.490C>T variant is predicted to result in the amino acid substitution p.Arg164Trp. This variant has been reported in the compound heterozygous and homozygous state in multiple individuals with non-syndromic hearing loss (Figure 3, Lee et al. 2019. PubMed ID: 31454969; Table 1, Wu et al. 2020. PubMed ID: 32048449). This variant was also reported, along with a second causative variant, in a large cohort of individuals with hearing loss (supplementary data, Kim et al. 2022. PubMed ID: 35853923) and was described in a large cohort of individuals with hearing loss (Mutai et al. 2022. PubMed ID: 35248088). This variant is reported in 0.054% of alleles in individuals of East Asian descent in gnomAD. This variant is interpreted as likely pathogenic.

GeneDx
Classification: Likely pathogenic. Last evaluated: 2025-10-23. Review status: criteria provided, single submitter. Criteria: GeneDx Variant Classification Process June 2021. Collection method: clinical testing. Allele origin: germline. Affected: yes.
Comment: In silico analysis supports that this missense variant has a deleterious effect on protein structure/function; This variant is associated with the following publications: (PMID: 33724713, 31454969, 32048449, 35715776, 36833326, 35248088, 28802369, 35853923, 36570450)

Labcorp Genetics (formerly Invitae), Labcorp
Classification: Pathogenic. Last evaluated: 2025-04-26. Review status: criteria provided, single submitter. Criteria: Invitae Variant Classification Sherloc (09022015). Collection method: clinical testing. Allele origin: germline.
Comment: This sequence change replaces arginine, which is basic and polar, with tryptophan, which is neutral and slightly polar, at codon 164 of the PDZD7 protein (p.Arg164Trp). This variant is present in population databases (rs200664140, gnomAD 0.06%). This missense change has been observed in individual(s) with autosomal recessive deafness (PMID: 31454969, 32048449, 33724713). In at least one individual the data is consistent with being in trans (on the opposite chromosome) from a pathogenic variant. It has also been observed to segregate with disease in related individuals. ClinVar contains an entry for this variant (Variation ID: 666906). Invitae Evidence Modeling of protein sequence and biophysical properties (such as structural, functional, and spatial information, amino acid conservation, physicochemical variation, residue mobility, and thermodynamic stability) indicates that this missense variant is not expected to disrupt PDZD7 protein function with a negative predictive value of 80%. For these reasons, this variant has been classified as Pathogenic.

Victorian Clinical Genetics Services, Murdoch Childrens Research Institute
Classification: Pathogenic for Hearing loss, autosomal recessive 57. Last evaluated: 2024-09-21. Review status: criteria provided, single submitter. Criteria: ACMG Guidelines, 2015. Collection method: clinical testing. Allele origin: germline. Inheritance: Autosomal recessive inheritance. Affected: yes.
Comment: Based on the classification scheme VCGS_Germline_v1.3.4, this variant is classified as Pathogenic. Following criteria are met: 0102 - Loss of function is a known mechanism of disease in this gene relating to null variants and is associated with deafness, autosomal recessive 57 (MIM#618003) and Usher syndrome, type IIC, GPR98/PDZD7 digenic (MIM#605472). The mechanism associated with missense variants is currently unclear. (I) 0106 - This gene is known to be associated with autosomal recessive disease. 0200 - Variant is predicted to result in a missense amino acid change from arginine to tryptophan. (I) 0252 - This variant is homozygous. (I) 0304 - Variant is present in gnomAD <0.01 for a recessive condition (12 heterozygotes, 0 homozygotes). (SP) 0309 - Multiple alternative amino acid changes at the same position have been observed in gnomAD (v3) (highest allele count: 2 heterozygotes, 0 homozygotes). (I) 0501 - Missense variant consistently predicted to be damaging by multiple in silico tools or highly conserved with a major amino acid change. (SP) 0600 - Variant is located in the annotated PDZ domain (DECIPHER). (I) 0801 - This variant has strong previous evidence of pathogenicity in unrelated individuals. This variant has been classified as pathogenic or likely pathogenic by multiple clinical laboratories in ClinVar, and as a VUS in an older entry. This variant has also been observed in compound heterozygous and homozygous individuals with hearing loss in the literature (PMID: 31454969, 32048449, 35248088). (SP) 1209 - This variant has been shown to be both maternally and paternally inherited (biallelic). (I) Legend: (SP) - Supporting pathogenic, (I) - Information, (SB) - Supporting benign

Blueprint Genetics
Classification: Likely pathogenic for PDZD7-related disorders. Last evaluated: 2024-08-11. Review status: criteria provided, single submitter. Criteria: ACMG Guidelines, 2015. Collection method: clinical testing. Allele origin: germline. Affected: yes. Observed: 5 variant alleles.

Dasa
Classification: Likely pathogenic. Last evaluated: 2024-07-12. Review status: criteria provided, single submitter. Criteria: DASA Assertion Criteria. Collection method: clinical testing. Allele origin: germline.
Comment: NM_001195263.2(PDZD7):c.490C>T (p.Arg164Trp) is a missense variant that results in the substitution of arginine with tryptophan. This variant has been recurrently observed in individuals with related phenotype (PMID: 31454969; PMID: 32048449). Segregation evidence has been reported in affected families. Multiple computational predictions support a deleterious effect on the gene or gene product. The variant is present at low frequency in population datasets. Based on the available data, this variant is classified as likely pathogenic.

3billion
Classification: Likely pathogenic for Hearing loss, autosomal recessive 57. Last evaluated: 2022-09-01. Review status: criteria provided, single submitter. Criteria: ACMG Guidelines, 2015. Collection method: clinical testing. Allele origin: germline. Affected: yes. Observed: 1 homozygote.
Comment: The variant is observed at an extremely low frequency in the gnomAD v2.1.1 dataset (total allele frequency: 0.005%). While this variant results in missense change, protein truncation variants are a common disease-causing mechanism. Same nucleotide change resulting in same amino acid change has been previously reported as pathogenic/likely pathogenic with strong evidence (ClinVar ID: VCV000666906). Not performed as the variant was considered high-quality Therefore, this variant is classified as Likely pathogenic according to the recommendation of ACMG/AMP guideline.

Laboratory for Molecular Medicine, Mass General Brigham Personalized Medicine
Classification: Uncertain significance. Last evaluated: 2021-04-06. Review status: criteria provided, single submitter. Criteria: LMM Criteria. Collection method: clinical testing. Allele origin: germline. Observed: 2 variant alleles.
Comment: proposed classification - variant undergoing re-assessment, contact laboratory

Juno Genomics, Hangzhou Juno Genomics, Inc
Classification: Likely pathogenic for Usher syndrome type 2A; Hearing loss, autosomal recessive 57; Usher syndrome type 2C. Review status: criteria provided, single submitter. Criteria: ACMG Guidelines, 2015. Collection method: clinical testing. Allele origin: germline.
Comment: For recessive disorders, detected in trans with a pathogenic variant.;Patient's phenotype or family history is highly specific for a disease with a single genetic etiology.;Co-segregation with disease in multiple affected family members.;Located in a mutational hot spot and/or critical and well-established functional domain without benign variation.

Literature cited by the submitters: PubMed 31454969 (cited by 4 submitters); PubMed 32048449 (cited by 4 submitters); PubMed 33724713 (cited by Labcorp Genetics (formerly Invitae), Labcorp and Laboratory for Molecular Medicine, Mass General Brigham Personalized Medicine); PubMed 35248088 (cited by Victorian Clinical Genetics Services, Murdoch Childrens Research Institute); PubMed 28802369 (cited by Laboratory for Molecular Medicine, Mass General Brigham Personalized Medicine).

NM_001195263.2(PDZD7):c.490C>T (p.Arg164Trp)

Gene: PDZD7 (PDZ domain containing 7; minus strand). Cytogenetic location: 10q24.31.
Variant type: single nucleotide variant.
Coding change: c.490C>T on transcript NM_001195263.2 (MANE Select); coding-DNA position 490, C replaced by T.
Protein change: p.Arg164Trp; replaces arginine 164 with tryptophan.
Molecular consequence: missense variant.
Genome position (GRCh38, 1-based): chr10:101,023,488, G>A on the plus strand (C>T on the coding strand, the complement: PDZD7 is on the minus strand). VCF-style: chr10-101023488-G-A. GRCh37 (hg19) VCF-style: chr10-102783245-G-A.
Other names: c.490C>T, p.Arg164Trp (NM_001351044.2, NM_024895.5); short protein forms R164W.
Identifiers: ClinVar variation 666906 (VCV000666906.26), dbSNP rs200664140, ClinGen allele CA5654372.